The following is an entry in ClinVar:

ClinVar aggregate classification (germline): Likely pathogenic (1 of 4 stars; one submission).

Conditions:
Neurodevelopmental disorder with microcephaly, epilepsy, and brain atrophy. Identifiers: MedGen C4693390, MONDO:0060640, OMIM 617862.

Submission:

3billion
Classification: Likely pathogenic for Neurodevelopmental disorder with microcephaly, epilepsy, and brain atrophy. Last evaluated: 2024-12-26. Review status: criteria provided, single submitter. Criteria: ACMG Guidelines, 2015. Collection method: clinical testing. Allele origin: germline. Affected: yes.
Comment: The variant is observed at an extremely low frequency in the gnomAD v4.1.0 dataset (total allele frequency: <0.001%). Predicted Consequence/Location: Frameshift: predicted to result in a loss or disruption of normal protein function through nonsense-mediated decay (NMD) or protein truncation. Multiple pathogenic variants are reported downstream of the variant. Therefore, this variant is classified as Likely pathogenic according to the recommendation of ACMG/AMP guideline.

NM_001079537.2(TRAPPC6B):c.99_100dup (p.Thr34fs)

Gene: TRAPPC6B (trafficking protein particle complex subunit 6B; minus strand). Cytogenetic location: 14q21.1.
Variant type: Duplication.
Coding change: c.99_100dup on transcript NM_001079537.2 (MANE Select); coding-DNA positions 99 to 100, 2 bases duplicated (TA; older notation c.99_100dupTA).
Protein change: p.Thr34fs; shifts the reading frame from threonine 34.
Molecular consequence: frameshift variant.
Genome position (GRCh38, 1-based): chr14:39,159,532-39,159,533, TA duplicated on the plus strand (TA on the coding strand, the reverse complement: TRAPPC6B is on the minus strand). VCF-style (leftmost placement, unchanged base first): chr14-39159531-G-GTA. GRCh37 (hg19) VCF-style: chr14-39628735-G-GTA.
Other names: c.99_100dup, p.Thr34fs (NM_177452.4); short protein forms T34fs.
Identifiers: ClinVar variation 4292207 (VCV004292207.1).